The following is an entry in ClinVar:

ClinVar aggregate classification (germline): Likely benign. Review status: criteria provided, single submitter (1 of 4 stars). 2 submissions from 2 submitters: Likely benign (1). 1 of the submissions does not count toward it. Last evaluated 2023-12-02.

Conditions:
PCNT-related disorder. Also called: PCNT-related condition.

Allele frequency attached by ClinVar (database versions not stated): gnomAD exomes 0.00001; gnomAD 0.00002; TOPMed 0.00002; ExAC 0.00005.

Submissions (2):

Labcorp Genetics (formerly Invitae), Labcorp
Classification: Likely benign. Last evaluated: 2023-12-02. Review status: criteria provided, single submitter. Criteria: Invitae Variant Classification Sherloc (09022015). Collection method: clinical testing. Allele origin: germline.

PreventionGenetics, part of Exact Sciences
Classification: Likely benign for PCNT-related condition. Last evaluated: 2024-02-13. Review status: no assertion criteria provided. Collection method: clinical testing. Allele origin: germline. Not counted in ClinVar's aggregate classification.
Comment: This variant is classified as likely benign based on ACMG/AMP sequence variant interpretation guidelines (Richards et al. 2015 PMID: 25741868, with internal and published modifications).

NM_006031.6(PCNT):c.4119G>A (p.Gln1373=)

Gene: PCNT (pericentrin; plus strand). Cytogenetic location: 21q22.3.
Variant type: single nucleotide variant.
Coding change: c.4119G>A on transcript NM_006031.6 (MANE Select); coding-DNA position 4119, G replaced by A.
Protein change: p.Gln1373=; no amino-acid change (glutamine 1373 retained).
Molecular consequence: synonymous variant.
Genome position (GRCh38, 1-based): chr21:46,391,279, G>A. VCF-style: chr21-46391279-G-A. GRCh37 (hg19) VCF-style: chr21-47811194-G-A.
Other names: c.4119G>A (NM_006031.5); c.3765G>A, p.Gln1255= (NM_001315529.2).
Identifiers: ClinVar variation 2916663 (VCV002916663.5), dbSNP rs749161950, ClinGen allele CA10079540.
Genomic context (GRCh38, chr21:46,391,279, plus strand): 5'-GAAGGAGGATTCCGAGCACCGTCTGGTGCTGGAGCTGGAGAGCCTGAGACGGCAGCTGCA[G>A]CAGGCGGCCCAGGAGCAGGCGGCGCTGAGGGAGGAGTGCACCCGTCTGTGGAGTCGGGGG-3'
Protein context (NP_006022.3, residues 1363-1383): LELESLRRQL[Gln1373=]QAAQEQAALR